The following is an entry in ClinVar:

NM_014813.3(LRIG2):c.2744C>T (p.Thr915Ile)

Gene: LRIG2 (leucine rich repeats and immunoglobulin like domains 2; plus strand). Cytogenetic location: 1p13.2.
Variant type: single nucleotide variant.
Coding change: c.2744C>T on transcript NM_014813.3 (MANE Select); coding-DNA position 2744, C replaced by T.
Protein change: p.Thr915Ile; replaces threonine 915 with isoleucine.
Molecular consequence: missense variant.
Genome position (GRCh38, 1-based): chr1:113,119,296, C>T. VCF-style: chr1-113119296-C-T. GRCh37 (hg19) VCF-style: chr1-113661918-C-T.
Other names: c.2435C>T, p.Thr812Ile (NM_001312686.2); short protein forms T812I, T915I.
Identifiers: ClinVar variation 774278 (VCV000774278.7), dbSNP rs115632277, ClinGen allele CA1012334.

ClinVar aggregate classification (germline): Benign/Likely benign. Review status: criteria provided, multiple submitters, no conflicts (2 of 4 stars). 4 submissions from 4 submitters: Benign (2); Likely benign (1). 1 of the submissions does not count toward it. Last evaluated 2025-08-18.

Conditions:
LRIG2-related disorder. Also called: LRIG2-related condition.

Allele frequency attached by ClinVar (database versions not stated): ExAC 0.00313; gnomAD 0.00572 and 0.00600; ESP Exome Variant Server 0.00638; 1000 Genomes Project 0.00659; TOPMed 0.00693; 1000 Genomes Project 30x 0.00703.
gnomAD v4.1: 3,343 of 1,614,050 alleles (0.21%); highest among the groups gnomAD compares: African/African-American, 1.7%; 28 homozygotes.

Submissions (4):

Genomic Medicine Center of Excellence, King Faisal Specialist Hospital and Research Centre
Classification: Likely benign. Last evaluated: 2025-08-18. Review status: criteria provided, single submitter. Criteria: ACMG Guidelines, 2015. Collection method: clinical testing. Allele origin: germline.

Labcorp Genetics (formerly Invitae), Labcorp
Classification: Benign. Last evaluated: 2019-12-31. Review status: criteria provided, single submitter. Criteria: Invitae Variant Classification Sherloc (09022015). Collection method: clinical testing. Allele origin: germline.

Breakthrough Genomics
Classification: Benign. Review status: criteria provided, single submitter. Criteria: ACMG Guidelines, 2015. Collection method: not provided. Allele origin: germline. Inheritance: Autosomal recessive inheritance. Affected: yes.

PreventionGenetics, part of Exact Sciences
Classification: Benign for LRIG2-related condition. Last evaluated: 2024-07-02. Review status: no assertion criteria provided. Collection method: clinical testing. Allele origin: germline. Not counted in ClinVar's aggregate classification.
Comment: This variant is classified as benign based on ACMG/AMP sequence variant interpretation guidelines (Richards et al. 2015 PMID: 25741868, with internal and published modifications).